The following is an entry in ClinVar:

NM_001113378.2(FANCI):c.919C>T (p.Pro307Ser)

Gene: FANCI (FA complementation group I; plus strand). Cytogenetic location: 15q26.1.
Variant type: single nucleotide variant.
Coding change: c.919C>T on transcript NM_001113378.2 (MANE Select); coding-DNA position 919, C replaced by T.
Protein change: p.Pro307Ser; replaces proline 307 with serine.
Molecular consequence: missense variant.
Genome position (GRCh38, 1-based): chr15:89,273,413, C>T. VCF-style: chr15-89273413-C-T. GRCh37 (hg19) VCF-style: chr15-89816644-C-T.
Other names: c.640C>T, p.Pro214Ser (NM_001376910.1); c.919C>T, p.Pro307Ser (NM_001376911.1, NM_018193.3); short protein forms P307S, P214S.
Identifiers: ClinVar variation 575021 (VCV000575021.16), dbSNP rs769485443, ClinGen allele CA7722834.

ClinVar aggregate classification (germline): Uncertain significance. Review status: criteria provided, multiple submitters, no conflicts (2 of 4 stars). 3 submissions from 3 submitters: Uncertain significance (3). Last evaluated 2024-12-13.

Conditions:
Fanconi anemia (FA). Also called: Fanconi's anemia. Identifiers: Orphanet 84, MedGen C0015625, MeSH D005199, MONDO:0019391.
Fanconi anemia complementation group I (FANCI). Also called: FANCI-Related Fanconi Anemia. Identifiers: Orphanet 84, MedGen C1836861, MONDO:0012186, OMIM 609053.

Allele frequency attached by ClinVar (database versions not stated): gnomAD 0.00002 and 0.00003; TOPMed 0.00003; gnomAD exomes 0.00007; ExAC 0.00009.

Submissions (3):

Labcorp Genetics (formerly Invitae), Labcorp
Classification: Uncertain significance for Fanconi anemia. Last evaluated: 2024-12-13. Review status: criteria provided, single submitter. Criteria: Invitae Variant Classification Sherloc (09022015). Collection method: clinical testing. Allele origin: germline.
Comment: This sequence change replaces proline, which is neutral and non-polar, with serine, which is neutral and polar, at codon 307 of the FANCI protein (p.Pro307Ser). This variant is present in population databases (rs769485443, gnomAD 0.1%). This variant has not been reported in the literature in individuals affected with FANCI-related conditions. ClinVar contains an entry for this variant (Variation ID: 575021). Invitae Evidence Modeling of protein sequence and biophysical properties (such as structural, functional, and spatial information, amino acid conservation, physicochemical variation, residue mobility, and thermodynamic stability) indicates that this missense variant is not expected to disrupt FANCI protein function with a negative predictive value of 80%. In summary, the available evidence is currently insufficient to determine the role of this variant in disease. Therefore, it has been classified as a Variant of Uncertain Significance.

Fulgent Genetics
Classification: Uncertain significance for Fanconi anemia complementation group I. Last evaluated: 2024-04-14. Review status: criteria provided, single submitter. Criteria: ACMG Guidelines, 2015. Collection method: clinical testing. Allele origin: germline.

Illumina Laboratory Services, Illumina
Classification: Uncertain significance for Fanconi anemia complementation group I. Last evaluated: 2019-02-20. Review status: criteria provided, single submitter. Criteria: ICSLVariantClassificationCriteria RUGD 01 April 2020. Collection method: clinical testing. Allele origin: unknown.
Comment: The FANCI c.919C>T (p.Pro307Ser) variant is a missense variant. A literature search was performed for the gene, cDNA change, and amino acid change. No publications were found based on this search. This variant is found at a frequency of 0.000981 in the East Asian population of the Genome Aggregation Database. Based on the limited evidence, the p.Pro307Ser variant is classified as a variant of uncertain significance for Fanconi anemia.